The following is an entry in ClinVar:

ClinVar aggregate classification (germline): Uncertain significance. Review status: criteria provided, multiple submitters, no conflicts (2 of 4 stars). 2 submissions from 2 submitters: Uncertain significance (2). Last evaluated 2023-12-19.

Conditions:
Inborn genetic diseases. Identifiers: MedGen C0950123, MeSH D030342.

Allele frequency attached by ClinVar (database versions not stated): gnomAD 0.00001; gnomAD exomes 0.00001 and 0.00003; TOPMed 0.00002.
gnomAD v4.1: 15 of 1,611,562 alleles (0.00093%); highest among the groups gnomAD compares: Admixed American, 0.02%; no homozygotes.

Submissions (2):

Ambry Genetics
Classification: Uncertain significance for Inborn genetic diseases. Last evaluated: 2023-12-19. Review status: criteria provided, single submitter. Criteria: Ambry Variant Classification Scheme 2023. Collection method: clinical testing. Allele origin: germline.

Labcorp Genetics (formerly Invitae), Labcorp
Classification: Uncertain significance. Last evaluated: 2022-06-20. Review status: criteria provided, single submitter. Criteria: Invitae Variant Classification Sherloc (09022015). Collection method: clinical testing. Allele origin: germline.
Comment: This sequence change replaces glutamic acid, which is acidic and polar, with lysine, which is basic and polar, at codon 853 of the VARS2 protein (p.Glu853Lys). This variant is present in population databases (no rsID available, gnomAD 0.02%). This variant has not been reported in the literature in individuals affected with VARS2-related conditions. Algorithms developed to predict the effect of missense changes on protein structure and function (SIFT, PolyPhen-2, Align-GVGD) all suggest that this variant is likely to be disruptive. Algorithms developed to predict the effect of sequence changes on RNA splicing suggest that this variant may create or strengthen a splice site. In summary, the available evidence is currently insufficient to determine the role of this variant in disease. Therefore, it has been classified as a Variant of Uncertain Significance.

NM_020442.6(VARS2):c.2467G>A (p.Glu823Lys)

Gene: VARS2 (valyl-tRNA synthetase 2, mitochondrial; plus strand). Cytogenetic location: 6p21.33.
Variant type: single nucleotide variant.
Coding change: c.2467G>A on transcript NM_020442.6 (MANE Select); coding-DNA position 2467, G replaced by A.
Protein change: p.Glu823Lys; replaces glutamic acid 823 with lysine.
Molecular consequence: missense variant.
Genome position (GRCh38, 1-based): chr6:30,924,354, G>A. VCF-style: chr6-30924354-G-A. GRCh37 (hg19) VCF-style: chr6-30892131-G-A.
Other names: c.2047G>A, p.Glu683Lys (NM_001167733.3); c.2557G>A, p.Glu853Lys (NM_001167734.2); c.2557G>A (NM_001167734.1); short protein forms E853K, E683K, E823K.
Identifiers: ClinVar variation 1366144 (VCV001366144.6), dbSNP rs1054979703, ClinGen allele CA136812398.